The following is an entry in ClinVar:

ClinVar aggregate classification (germline): Uncertain significance. Review status: criteria provided, multiple submitters, no conflicts (2 of 4 stars). 2 submissions from 2 submitters: Uncertain significance (2). Last evaluated 2025-05-07.

Conditions:
GLI2-related disorder. Also called: GLI2-related condition; GLI2-related disorders.

Allele frequency attached by ClinVar (database versions not stated): gnomAD 0.00001; TOPMed 0.00001.
gnomAD v4.1: 9 of 1,613,428 alleles (0.00056%); highest among the groups gnomAD compares: Admixed American, 0.0017%; no homozygotes.

Submissions (2):

GeneDx
Classification: Uncertain significance. Last evaluated: 2025-05-07. Review status: criteria provided, single submitter. Criteria: GeneDx Variant Classification Process June 2021. Collection method: clinical testing. Allele origin: germline. Affected: yes.
Comment: Observed in a patient with holoprosencephaly in published literature; however, no specific patient information was provided (PMID: 21416594); In silico analysis supports that this missense variant has a deleterious effect on protein structure/function; This variant is associated with the following publications: (PMID: 21416594)

PreventionGenetics, part of Exact Sciences
Classification: Uncertain significance for GLI2-related condition. Last evaluated: 2025-01-06. Review status: criteria provided, single submitter. Criteria: ACMG Guidelines, 2015. Collection method: clinical testing. Allele origin: germline.
Comment: The GLI2 c.691C>T variant is predicted to result in the amino acid substitution p.Arg231Trp. This variant has been reported with uncertain significance in an individual with holoprosencephaly; however, no additional evidence was provided to help assess pathogenicity (Wannasilp et al. 2011. PubMed ID: 21416594). This variant is reported in 0.0029% of alleles in individuals of Latino descent in gnomAD. At this time, the clinical significance of this variant is uncertain due to the absence of conclusive functional and genetic evidence.

NM_001374353.1(GLI2):c.691C>T (p.Arg231Trp)

Gene: GLI2 (GLI family zinc finger 2; plus strand). Cytogenetic location: 2q14.2.
Variant type: single nucleotide variant.
Coding change: c.691C>T on transcript NM_001374353.1 (MANE Select); coding-DNA position 691, C replaced by T.
Protein change: p.Arg231Trp; replaces arginine 231 with tryptophan.
Molecular consequence: missense variant.
Genome position (GRCh38, 1-based): chr2:120,968,761, C>T. VCF-style: chr2-120968761-C-T. GRCh37 (hg19) VCF-style: chr2-121726337-C-T.
Other names: c.691C>T, p.Arg231Trp (NM_001371271.1, NM_005270.5); c.316C>T, p.Arg106Trp (NM_001374354.1); short protein forms R106W, R231W.
Identifiers: ClinVar variation 1203473 (VCV001203473.5), dbSNP rs781430951, ClinGen allele CA1851636.
Genomic context (GRCh38, chr2:120,968,761, plus strand): 5'-GACTATCCCACAGTGTCCCGTTTCTCCAGCCCGCGGGTGACGCCCCGCCTGAGCCGCAAG[C>T]GGGCGCTGTCCATCTCCCCACTCTCAGACGCCAGCCTGGACCTGCAGCGGATGATCCGCA-3'
Protein context (NP_001361282.1, residues 221-241): PRVTPRLSRK[Arg231Trp]ALSISPLSDA